The following is an entry in ClinVar:

NM_206933.4(USH2A):c.6050-1G>A

Gene: USH2A (usherin; minus strand). Cytogenetic location: 1q41.
Variant type: single nucleotide variant.
Coding change: c.6050-1G>A on transcript NM_206933.4 (MANE Select); the canonical splice acceptor site of the intron before coding-DNA position 6050, G replaced by A.
Molecular consequence: splice acceptor variant.
Genome position (GRCh38, 1-based): chr1:216,048,648, C>T on the plus strand (G>A on the coding strand, the complement: USH2A is on the minus strand). VCF-style: chr1-216048648-C-T. GRCh37 (hg19) VCF-style: chr1-216221990-C-T.
Identifiers: ClinVar variation 438024 (VCV000438024.16), dbSNP rs1035024403, ClinGen allele CA37460459.

ClinVar aggregate classification (germline): Pathogenic/Likely pathogenic. Review status: criteria provided, multiple submitters, no conflicts (2 of 4 stars). 7 submissions from 6 submitters: Pathogenic (3); Likely pathogenic (2). 2 of the submissions do not count toward it. Last evaluated 2026-02-01.

Conditions:
Retinitis pigmentosa (RP). Identifiers: Orphanet 791, MedGen C0035334, MeSH D012174, MONDO:0019200, OMIM 268000. Inheritance: Autosomal dominant, autosomal recessive and X linked inheritance.
Retinitis pigmentosa 39 (RP39). Identifiers: Orphanet 791, MedGen C3151138, MONDO:0013436, OMIM 613809.
USH2A-related disorder. Also called: USH2A-related condition; USH2A-related disorders. Identifiers: MedGen CN239332.
Usher syndrome type 2A. Also called: RETINAL DISEASE IN USHER SYNDROME TYPE IIA, MODIFIER OF; USHER SYNDROME, TYPE IIA. Identifiers: Orphanet 231178, Orphanet 886, MedGen C1848634, MONDO:0010169, OMIM 276901.

Allele frequency attached by ClinVar (database versions not stated): gnomAD exomes below 0.00001; TOPMed below 0.00001; gnomAD 0.00001.
gnomAD v4.1: 4 of 1,613,184 alleles (0.00025%); highest among the groups gnomAD compares: African/African-American, 0.0013%; no homozygotes.

Submissions (7):

Labcorp Genetics (formerly Invitae), Labcorp
Classification: Pathogenic. Last evaluated: 2026-02-01. Review status: criteria provided, single submitter. Criteria: Invitae Variant Classification Sherloc (09022015). Collection method: clinical testing. Allele origin: germline.
Comment: This sequence change affects an acceptor splice site in intron 30 of the USH2A gene. It is expected to disrupt RNA splicing. Variants that disrupt the donor or acceptor splice site typically lead to a loss of protein function (PMID: 16199547), and loss-of-function variants in USH2A are known to be pathogenic (PMID: 10729113, 10909849, 20507924, 25649381). This variant is not present in population databases (gnomAD no frequency). Disruption of this splice site has been observed in individuals with retinitis pigmentosa (PMID: 28041643; internal data). ClinVar contains an entry for this variant (Variation ID: 438024). Algorithms developed to predict the effect of sequence changes on RNA splicing suggest that this variant may disrupt the consensus splice site. For these reasons, this variant has been classified as Pathogenic.

Baylor Genetics
Classification: Pathogenic for Retinitis pigmentosa 39. Last evaluated: 2023-06-17. Review status: criteria provided, single submitter. Criteria: ACMG Guidelines, 2015. Collection method: clinical testing. Allele origin: unknown.

Genome-Nilou Lab
Classification: Likely pathogenic for Retinitis pigmentosa 39. Last evaluated: 2023-04-11. Review status: criteria provided, single submitter. Criteria: ACMG Guidelines, 2015. Collection method: clinical testing. Allele origin: germline. Affected: no.

Genome-Nilou Lab
Classification: Likely pathogenic for Usher syndrome type 2A. Last evaluated: 2023-04-11. Review status: criteria provided, single submitter. Criteria: ACMG Guidelines, 2015. Collection method: clinical testing. Allele origin: germline. Affected: no.

Blueprint Genetics
Classification: Pathogenic for USH2A-related disorders. Last evaluated: 2018-09-18. Review status: criteria provided, single submitter. Criteria: ACMG Guidelines, 2015. Collection method: clinical testing. Allele origin: germline. Affected: yes. Observed: 1 variant allele.

Counsyl
Classification: Likely pathogenic for Usher syndrome type 2A; Retinitis pigmentosa 39. Last evaluated: 2018-04-09. Review status: no assertion criteria provided. Collection method: clinical testing. Allele origin: unknown. Not counted in ClinVar's aggregate classification.

NIHR Bioresource Rare Diseases, University of Cambridge
Classification: Likely pathogenic for Retinitis pigmentosa. Last evaluated: 2015-01-01. Review status: no assertion criteria provided. Collection method: research. Allele origin: unknown. Affected: yes. Observed: 1 variant allele. Not counted in ClinVar's aggregate classification.

Literature cited by the submitters: PubMed 16199547 (cited by Labcorp Genetics (formerly Invitae), Labcorp); PubMed 10729113 (cited by Labcorp Genetics (formerly Invitae), Labcorp); PubMed 10909849 (cited by Labcorp Genetics (formerly Invitae), Labcorp); PubMed 20507924 (cited by Labcorp Genetics (formerly Invitae), Labcorp); PubMed 25649381 (cited by Labcorp Genetics (formerly Invitae), Labcorp); PubMed 28041643 (cited by 3 submitters).